The following is an entry in ClinVar:

ClinVar aggregate classification (germline): Conflicting classifications of pathogenicity. Review status: criteria provided, conflicting classifications (1 of 4 stars). 8 submissions from 7 submitters: Uncertain significance (3); Benign (1); Likely benign (3). 1 of the submissions does not count toward it. Last evaluated 2025-12-18.

Conditions:
Hyperparathyroidism. Identifiers: MedGen C0020502, MONDO:0001741, HP:0000843.
MEN1-related disorder. Also called: MEN1-related condition.
Hereditary cancer-predisposing syndrome. Also called: Neoplastic Syndromes, Hereditary; Tumor predisposition; Hereditary neoplastic syndrome; Hereditary Cancer Syndrome. Identifiers: Orphanet 140162, MedGen C0027672, MeSH D009386, MONDO:0015356.
Multiple endocrine neoplasia, type 1 (MEN1). Also called: MEN I; WERMER SYNDROME; Endocrine adenomatosis multiple; MEN 1; MEA I. Identifiers: Orphanet 652, MedGen C0025267, MeSH D018761, MONDO:0007540, OMIM 131100.

Allele frequency attached by ClinVar (database versions not stated): TOPMed 0.00003.
gnomAD v4.1: 52 of 1,613,984 alleles (0.0032%); highest among the groups gnomAD compares: African/African-American, 0.0053%; no homozygotes.

Submissions (8):

Labcorp Genetics (formerly Invitae), Labcorp
Classification: Likely benign for Multiple endocrine neoplasia, type 1. Last evaluated: 2025-12-18. Review status: criteria provided, single submitter. Criteria: Invitae Variant Classification Sherloc (09022015). Collection method: clinical testing. Allele origin: germline.

Color Diagnostics, LLC DBA Color Health
Classification: Uncertain significance for Multiple endocrine neoplasia, type 1. Last evaluated: 2025-07-05. Review status: criteria provided, single submitter. Criteria: ACMG Guidelines, 2015. Collection method: clinical testing. Allele origin: germline.
Comment: This variant causes a C to G nucleotide substitution at the -6 position of intron 3 of the MEN1 gene. Splice site prediction tools suggest that this variant may weaken splicing at the reference splice acceptor site and also activate a cryptic acceptor site. Two RNA analyses on patient-derived RNA have reported conflicting findings with one reporting no detectable aberrant transcript and another reporting the use of the cryptic acceptor site that is predicted to cause a frameshift (PMID: 16322378, 33893081). This variant has been reported in an individual affected with at least two MEN1-associated tumors and multiple parathyroid adenomas and a family history of metastatic medullary thyroid carcinoma (PMID: 16322378), however at least 10 additional carriers of this variant have been identified and most are not affected (PMID: 16322378, 32396602). This variant has been identified in 3/250756 chromosomes in the general population by the Genome Aggregation Database (gnomAD). The available evidence is insufficient to determine the role of this variant in disease conclusively. Therefore, this variant is classified as a Variant of Uncertain Significance.

Mendelics
Classification: Benign for Multiple endocrine neoplasia, type 1. Last evaluated: 2023-08-22. Review status: criteria provided, single submitter. Criteria: Mendelics Assertion Criteria 2019. Collection method: clinical testing. Allele origin: germline.

Sema4
Classification: Likely benign for Hereditary cancer-predisposing syndrome. Last evaluated: 2021-11-29. Review status: criteria provided, single submitter. Criteria: Sema4 Curation Guidelines. Collection method: curation. Allele origin: germline.

GeneDx
Classification: Likely benign. Last evaluated: 2017-08-07. Review status: criteria provided, single submitter. Criteria: GeneDx Variant Classification (06012015). Collection method: clinical testing. Allele origin: germline. Affected: yes.
Comment: This variant is considered likely benign or benign based on one or more of the following criteria: it is a conservative change, it occurs at a poorly conserved position in the protein, it is predicted to be benign by multiple in silico algorithms, and/or has population frequency not consistent with disease.

Illumina Laboratory Services, Illumina
Classification: Uncertain significance for Hyperparathyroidism. Last evaluated: 2017-04-28. Review status: criteria provided, single submitter. Criteria: ICSL Variant Classification Criteria 13 December 2019. Collection method: clinical testing. Allele origin: germline.

Illumina Laboratory Services, Illumina
Classification: Uncertain significance for Multiple endocrine neoplasia, type 1. Last evaluated: 2017-04-28. Review status: criteria provided, single submitter. Criteria: ICSL Variant Classification Criteria 13 December 2019. Collection method: clinical testing. Allele origin: germline.
Comment: This variant was observed as part of a predisposition screen in an ostensibly healthy population. A literature search was performed for the gene, cDNA change, and amino acid change (where applicable). Publications were found based on this search. However, the evidence from the literature, in combination with allele frequency data from public databases where available, was not sufficient to rule this variant in or out of causing disease. Therefore, this variant is classified as a variant of unknown significance.

PreventionGenetics, part of Exact Sciences
Classification: Likely benign for MEN1-related condition. Last evaluated: 2022-03-03. Review status: no assertion criteria provided. Collection method: clinical testing. Allele origin: germline. Not counted in ClinVar's aggregate classification.
Comment: This variant is classified as likely benign based on ACMG/AMP sequence variant interpretation guidelines (Richards et al. 2015 PMID: 25741868, with internal and published modifications).

Literature cited by the submitters: PubMed 16322378 (cited by Color Diagnostics, LLC DBA Color Health and Illumina Laboratory Services, Illumina); PubMed 32396602 (cited by Color Diagnostics, LLC DBA Color Health); PubMed 33893081 (cited by Color Diagnostics, LLC DBA Color Health).

NM_001370259.2(MEN1):c.655-6C>G

Gene: MEN1 (menin 1; minus strand). Cytogenetic location: 11q13.1.
Variant type: single nucleotide variant.
Coding change: c.655-6C>G on transcript NM_001370259.2 (MANE Select); 6 bases into the intron before coding-DNA position 655, C replaced by G.
Molecular consequence: intron variant.
Genome position (GRCh38, 1-based): chr11:64,807,686, G>C on the plus strand (C>G on the coding strand, the complement: MEN1 is on the minus strand). VCF-style: chr11-64807686-G-C. GRCh37 (hg19) VCF-style: chr11-64575158-G-C.
Other names: c.655-6C>G (NM_001370260.2, NM_001370251.2, NM_001370261.2 and 1 more transcripts); c.670-6C>G (NM_130801.3, NM_130800.3, NM_130802.3 and 4 more transcripts); c.550-6C>G (NM_001370263.2, NM_001370262.2).
Identifiers: ClinVar variation 241822 (VCV000241822.23), dbSNP rs77461664, ClinGen allele CA061430.